The following is an entry in ClinVar:

ClinVar aggregate classification (germline): Uncertain significance (1 of 4 stars; one submission).

Submission:

Labcorp Genetics (formerly Invitae), Labcorp
Classification: Uncertain significance. Last evaluated: 2024-06-25. Review status: criteria provided, single submitter. Criteria: Invitae Variant Classification Sherloc (09022015). Collection method: clinical testing. Allele origin: germline.
Comment: This sequence change replaces tyrosine, which is neutral and polar, with phenylalanine, which is neutral and non-polar, at codon 511 of the FN1 protein (p.Tyr511Phe). This variant is not present in population databases (gnomAD no frequency). This variant has not been reported in the literature in individuals affected with FN1-related conditions. Advanced modeling of protein sequence and biophysical properties (such as structural, functional, and spatial information, amino acid conservation, physicochemical variation, residue mobility, and thermodynamic stability) performed at Invitae indicates that this missense variant is not expected to disrupt FN1 protein function with a negative predictive value of 80%. In summary, the available evidence is currently insufficient to determine the role of this variant in disease. Therefore, it has been classified as a Variant of Uncertain Significance.

NM_212482.4(FN1):c.1532A>T (p.Tyr511Phe)

Gene: FN1 (fibronectin 1; minus strand). Cytogenetic location: 2q35.
Variant type: single nucleotide variant.
Coding change: c.1532A>T on transcript NM_212482.4 (MANE Select); coding-DNA position 1532, A replaced by T.
Protein change: p.Tyr511Phe; replaces tyrosine 511 with phenylalanine.
Molecular consequence: missense variant.
Genome position (GRCh38, 1-based): chr2:215,422,105, T>A on the plus strand (A>T on the coding strand, the complement: FN1 is on the minus strand). VCF-style: chr2-215422105-T-A. GRCh37 (hg19) VCF-style: chr2-216286828-T-A.
Other names: c.1532A>T, p.Tyr511Phe (NM_001306129.2, NM_001306130.2, NM_001306131.2 and 14 more transcripts); short protein forms Y511F.
Identifiers: ClinVar variation 3657853 (VCV003657853.2).